The following is an entry in ClinVar:

NM_000138.5(FBN1):c.1363T>C (p.Leu455=)

Gene: FBN1 (fibrillin 1; minus strand). Cytogenetic location: 15q21.1.
Variant type: single nucleotide variant.
Coding change: c.1363T>C on transcript NM_000138.5 (MANE Select); coding-DNA position 1363, T replaced by C.
Protein change: p.Leu455=; no amino-acid change (leucine 455 retained).
Molecular consequence: synonymous variant.
Genome position (GRCh38, 1-based): chr15:48,515,492, A>G on the plus strand (T>C on the coding strand, the complement: FBN1 is on the minus strand). VCF-style: chr15-48515492-A-G. GRCh37 (hg19) VCF-style: chr15-48807689-A-G.
Identifiers: ClinVar variation 923625 (VCV000923625.10), dbSNP rs557954342, ClinGen allele CA044483.
Genomic context (GRCh38, chr15:48,515,492, plus strand): 5'-CACACCGGTAACTCCCAGGAGTTGGAATGCAGCGTCCATTTTGACAGAGATAGCGGACCA[A>G]CTGGCAGTAATCAGTAACGTTTACTGGCAGCACCCCTAGAAGAACATTAAGCCCCATTAA-3'
Protein context (NP_000129.3, residues 445-465): LPVNVTDYCQ[Leu455=]VRYLCQNGRC

ClinVar aggregate classification (germline): Likely benign. Review status: criteria provided, multiple submitters, no conflicts (2 of 4 stars). 5 submissions from 5 submitters: Likely benign (5). Last evaluated 2025-05-28.

Conditions:
Familial thoracic aortic aneurysm and aortic dissection (TAAD). Also called: Thoracic aortic aneurysms and dissections. Identifiers: Orphanet 91387, MedGen C4707243, MONDO:0019625.
Marfan syndrome (MFS). Also called: Marfan syndrome, classic; Marfan syndrome type 1; Marfan's syndrome; FBN1-Related Marfan Syndrome; MARFAN SYNDROME, TYPE I. Identifiers: Orphanet 284963, Orphanet 558, MedGen C0024796, MONDO:0007947, OMIM 154700.

Allele frequency attached by ClinVar (database versions not stated): TOPMed 0.00005; 1000 Genomes Project 30x 0.00031; 1000 Genomes Project 0.00040; ExAC 0.00002; gnomAD exomes below 0.00001 and 0.00002; gnomAD 0.00007.
gnomAD v4.1: 18 of 1,614,042 alleles (0.0011%); highest among the groups gnomAD compares: African/African-American, 0.019%; no homozygotes.

Submissions (5):

Labcorp Genetics (formerly Invitae), Labcorp
Classification: Likely benign for Marfan syndrome; Familial thoracic aortic aneurysm and aortic dissection. Last evaluated: 2025-05-28. Review status: criteria provided, single submitter. Criteria: Invitae Variant Classification Sherloc (09022015). Collection method: clinical testing. Allele origin: germline.

Blueprint Genetics
Classification: Likely benign. Last evaluated: 2024-06-05. Review status: criteria provided, single submitter. Criteria: ACMG Guidelines, 2015. Collection method: clinical testing. Allele origin: germline.

All of Us Research Program, National Institutes of Health
Classification: Likely benign for Marfan syndrome. Last evaluated: 2024-01-11. Review status: criteria provided, single submitter. Criteria: ACMG Guidelines, 2015. Collection method: clinical testing. Allele origin: germline. Inheritance: Autosomal dominant inheritance. Observed: 1 variant allele, 1 heterozygote.
Comment: This study involves interpretation of variants in research participants for the purpose of population health screening. Participant phenotype was not available at the time of variant classification. Additional details can be found in publication PMID: 35346344, PMCID: PMC8962531

Ambry Genetics
Classification: Likely benign for Familial thoracic aortic aneurysm and aortic dissection. Last evaluated: 2023-07-27. Review status: criteria provided, single submitter. Criteria: Ambry Variant Classification Scheme 2023. Collection method: clinical testing. Allele origin: germline.

Color Diagnostics, LLC DBA Color Health
Classification: Likely benign for Familial thoracic aortic aneurysm and aortic dissection. Last evaluated: 2020-03-10. Review status: criteria provided, single submitter. Criteria: ACMG Guidelines, 2015. Collection method: clinical testing. Allele origin: germline.